The following is an entry in ClinVar:

NM_194248.3(OTOF):c.4799+2T>C

Gene: OTOF (otoferlin; minus strand). Cytogenetic location: 2p23.3.
Variant type: single nucleotide variant.
Coding change: c.4799+2T>C on transcript NM_194248.3 (MANE Select); the canonical splice donor site of the intron after coding-DNA position 4799, T replaced by C.
Molecular consequence: splice donor variant.
Genome position (GRCh38, 1-based): chr2:26,465,670, A>G on the plus strand (T>C on the coding strand, the complement: OTOF is on the minus strand). VCF-style: chr2-26465670-A-G. GRCh37 (hg19) VCF-style: chr2-26688538-A-G.
Other names: c.4799+2T>C (NM_001287489.2); c.2498+2T>C (NM_194323.3, NM_004802.4); c.2729+2T>C (NM_194322.3).
Identifiers: ClinVar variation 2967211 (VCV002967211.3), dbSNP rs747539519, ClinGen allele CA1563041.
Genomic context (GRCh38, chr2:26,465,670, plus strand): 5'-CATTTTAGAGTGGAGGCAAAGCAGGCACACTGCCCCCGCCCTCTGCCCCATGCCCCACAT[A>G]CGTGGAGTAGGTCTGGGCGATGCCGCAGGTGGCGCGGTGCTTGCTGTAGAAGCGGTTCTC-3'

ClinVar aggregate classification (germline): Pathogenic (1 of 4 stars; one submission).

Allele frequency attached by ClinVar (database versions not stated): ExAC 0.00001; gnomAD 0.00001; gnomAD exomes 0.00003.
gnomAD v4.1: 44 of 1,614,094 alleles (0.0027%); highest among the groups gnomAD compares: Non-Finnish European, 0.0036%; no homozygotes.

Submission:

Labcorp Genetics (formerly Invitae), Labcorp
Classification: Pathogenic. Last evaluated: 2023-11-07. Review status: criteria provided, single submitter. Criteria: Invitae Variant Classification Sherloc (09022015). Collection method: clinical testing. Allele origin: germline.
Comment: This sequence change affects a donor splice site in intron 38 of the OTOF gene. It is expected to disrupt RNA splicing. Variants that disrupt the donor or acceptor splice site typically lead to a loss of protein function (PMID: 16199547), and loss-of-function variants in OTOF are known to be pathogenic (PMID: 18381613, 19250381, 22575033). This variant is present in population databases (rs747539519, gnomAD 0.006%). Disruption of this splice site has been observed in individuals with auditory neuropathy spectrum disorder (PMID: 32476384, 34424407). Algorithms developed to predict the effect of sequence changes on RNA splicing suggest that this variant may disrupt the consensus splice site. For these reasons, this variant has been classified as Pathogenic.

Literature cited by the submitters: PubMed 16199547; PubMed 18381613; PubMed 19250381; PubMed 22575033; PubMed 32476384; PubMed 34424407.